The following is an entry in ClinVar:

ClinVar aggregate classification (germline): Likely benign (1 of 4 stars; one submission).

Conditions:
SEPN1-related disorder. Also called: SEPN1-Related Disorders. Identifiers: MedGen CN239420.

Allele frequency attached by ClinVar (database versions not stated): TOPMed 0.00116; gnomAD 0.00145 and 0.00144; gnomAD exomes 0.00198; 1000 Genomes Project 0.00080; 1000 Genomes Project 30x 0.00078.

Submission:

Illumina Laboratory Services, Illumina
Classification: Likely benign for SEPN1-Related Disorders. Last evaluated: 2018-01-13. Review status: criteria provided, single submitter. Criteria: ICSL Variant Classification Criteria 13 December 2019. Collection method: clinical testing. Allele origin: germline.
Comment: This variant was observed in the ICSL laboratory as part of a predisposition screen in an ostensibly healthy population. It had not been previously curated by ICSL or reported in the Human Gene Mutation Database (HGMD: prior to June 1st, 2018), and was therefore a candidate for classification through an automated scoring system. Utilizing variant allele frequency, disease prevalence and penetrance estimates, and inheritance mode, an automated score was calculated to assess if this variant is too frequent to cause the disease. Based on the score and internal cut-off values, a variant classified as likely benign is not then subjected to further curation. The score for this variant resulted in a classification of likely benign for this disease.

NM_206926.2(SELENON):c.*63C>T

Gene: SELENON (selenoprotein N; plus strand). Cytogenetic location: 1p36.11.
Variant type: single nucleotide variant.
Coding change: c.*63C>T on transcript NM_206926.2 (MANE Select); 63 bases downstream of the stop codon, C replaced by T.
Molecular consequence: 3 prime UTR variant.
Genome position (GRCh38, 1-based): chr1:25,815,781, C>T. VCF-style: chr1-25815781-C-T. GRCh37 (hg19) VCF-style: chr1-26142272-C-T.
Other names: c.*63C>T (NM_020451.3).
Identifiers: ClinVar variation 875349 (VCV000875349.4), dbSNP rs192411588, ClinGen allele CA19699223.